The following is an entry in ClinVar:

ClinVar aggregate classification (germline): Uncertain significance (1 of 4 stars; one submission).

Conditions:
Renal carnitine transport defect (CDSP). Also called: Primary carnitine deficiency; Systemic primary carnitine deficiency disease; Systemic primary carnitine deficiency; Carnitine transporter deficiency; Carnitine Deficiency, Systemic; CARNITINE DEFICIENCY, SYSTEMIC, DUE TO DEFECT IN RENAL REABSORPTION OF CARNITINE. Identifiers: Orphanet 158, MedGen C0342788, MONDO:0008919, OMIM 212140.

Allele frequency attached by ClinVar (database versions not stated): gnomAD exomes below 0.00001; ExAC 0.00001; gnomAD 0.00001; TOPMed 0.00002.
gnomAD v4.1: 8 of 1,614,078 alleles (0.0005%); highest among the groups gnomAD compares: Non-Finnish European, 0.00068%; no homozygotes.

Submission:

Labcorp Genetics (formerly Invitae), Labcorp
Classification: Uncertain significance for Renal carnitine transport defect. Last evaluated: 2024-08-21. Review status: criteria provided, single submitter. Criteria: Invitae Variant Classification Sherloc (09022015). Collection method: clinical testing. Allele origin: germline.
Comment: This sequence change replaces serine, which is neutral and polar, with cysteine, which is neutral and slightly polar, at codon 444 of the SLC22A5 protein (p.Ser444Cys). This variant is present in population databases (rs759393311, gnomAD 0.002%). This variant has not been reported in the literature in individuals affected with SLC22A5-related conditions. ClinVar contains an entry for this variant (Variation ID: 2150463). Invitae Evidence Modeling of protein sequence and biophysical properties (such as structural, functional, and spatial information, amino acid conservation, physicochemical variation, residue mobility, and thermodynamic stability) has been performed for this missense variant. However, the output from this modeling did not meet the statistical confidence thresholds required to predict the impact of this variant on SLC22A5 protein function. In summary, the available evidence is currently insufficient to determine the role of this variant in disease. Therefore, it has been classified as a Variant of Uncertain Significance.

NM_003060.4(SLC22A5):c.1331C>G (p.Ser444Cys)

Gene: SLC22A5 (solute carrier family 22 member 5; plus strand). Cytogenetic location: 5q31.1.
Variant type: single nucleotide variant.
Coding change: c.1331C>G on transcript NM_003060.4 (MANE Select); coding-DNA position 1331, C replaced by G.
Protein change: p.Ser444Cys; replaces serine 444 with cysteine.
Molecular consequence: missense variant.
Genome position (GRCh38, 1-based): chr5:132,392,496, C>G. VCF-style: chr5-132392496-C-G. GRCh37 (hg19) VCF-style: chr5-131728188-C-G.
Other names: c.1403C>G, p.Ser468Cys (NM_001308122.2); short protein forms S444C, S468C.
Identifiers: ClinVar variation 2150463 (VCV002150463.3), dbSNP rs759393311, ClinGen allele CA3404134.